The following is an entry in ClinVar:

ClinVar aggregate classification (germline): Uncertain significance (0 of 4 stars; one submission).

Conditions:
CPZ-related disorder. Also called: CPZ-related condition.

Allele frequency attached by ClinVar (database versions not stated): TOPMed below 0.00001.

Submission:

PreventionGenetics, part of Exact Sciences
Classification: Uncertain significance for CPZ-related condition. Last evaluated: 2023-11-22. Review status: no assertion criteria provided. Collection method: clinical testing. Allele origin: germline.
Comment: The CPZ c.1723G>C variant is predicted to result in the amino acid substitution p.Gly575Arg. To our knowledge, this variant has not been reported in the literature or in a large population database, indicating this variant is rare. At this time, the clinical significance of this variant is uncertain due to the absence of conclusive functional and genetic evidence.

NM_001014447.3(CPZ):c.1723G>C (p.Gly575Arg)

Gene: CPZ (carboxypeptidase Z; plus strand). Cytogenetic location: 4p16.1.
Variant type: single nucleotide variant.
Coding change: c.1723G>C on transcript NM_001014447.3 (MANE Select); coding-DNA position 1723, G replaced by C.
Protein change: p.Gly575Arg; replaces glycine 575 with arginine.
Molecular consequence: missense variant.
Genome position (GRCh38, 1-based): chr4:8,619,381, G>C. VCF-style: chr4-8619381-G-C. GRCh37 (hg19) VCF-style: chr4-8621108-G-C.
Other names: c.1312G>C, p.Gly438Arg (NM_001014448.3); c.1690G>C, p.Gly564Arg (NM_003652.4); short protein forms G438R, G564R, G575R.
Identifiers: ClinVar variation 3031403 (VCV003031403.2), dbSNP rs1369834599, ClinGen allele CA356255929.